The following is an entry in ClinVar:

ClinVar aggregate classification (germline): Benign/Likely benign. Review status: criteria provided, multiple submitters, no conflicts (2 of 4 stars). 5 submissions from 4 submitters: Benign (4); Likely benign (1). Last evaluated 2026-02-02.

Conditions:
Ectopia lentis et pupillae. Also called: ECTOPIA LENTIS WITH ECTOPIA OF PUPIL. Identifiers: Orphanet 1885, MedGen C1644196, MONDO:0009153, OMIM 225200.
Ectopia lentis 2, isolated, autosomal recessive (ECTOL2). Identifiers: Orphanet 1885, MedGen C3541474, MONDO:0009152, OMIM 225100.

Allele frequency attached by ClinVar (database versions not stated): gnomAD exomes 0.00114; ExAC 0.00130; ESP Exome Variant Server 0.00292; gnomAD 0.00432 and 0.00454; TOPMed 0.00481; 1000 Genomes Project 0.00559; 1000 Genomes Project 30x 0.00562.
gnomAD v4.1: 1,356 of 1,612,852 alleles (0.084%); highest among the groups gnomAD compares: African/African-American, 1.5%; 10 homozygotes.

Submissions (5):

Labcorp Genetics (formerly Invitae), Labcorp
Classification: Benign. Last evaluated: 2026-02-02. Review status: criteria provided, single submitter. Criteria: Invitae Variant Classification Sherloc (09022015). Collection method: clinical testing. Allele origin: germline.

Genomic Medicine Center of Excellence, King Faisal Specialist Hospital and Research Centre
Classification: Likely benign. Last evaluated: 2025-08-18. Review status: criteria provided, single submitter. Criteria: ACMG Guidelines, 2015. Collection method: clinical testing. Allele origin: germline.

Genome-Nilou Lab
Classification: Benign for Ectopia lentis et pupillae. Last evaluated: 2023-04-11. Review status: criteria provided, single submitter. Criteria: ACMG Guidelines, 2015. Collection method: clinical testing. Allele origin: germline. Affected: no.

Genome-Nilou Lab
Classification: Benign for Ectopia lentis 2, isolated, autosomal recessive. Last evaluated: 2023-04-11. Review status: criteria provided, single submitter. Criteria: ACMG Guidelines, 2015. Collection method: clinical testing. Allele origin: germline. Affected: no.

Illumina Laboratory Services, Illumina
Classification: Benign for Ectopia lentis 2, isolated, autosomal recessive. Last evaluated: 2018-01-13. Review status: criteria provided, single submitter. Criteria: ICSL Variant Classification Criteria 13 December 2019. Collection method: clinical testing. Allele origin: germline.
Comment: This variant was observed in the ICSL laboratory as part of a predisposition screen in an ostensibly healthy population. It had not been previously curated by ICSL or reported in the Human Gene Mutation Database (HGMD: prior to June 1st, 2018), and was therefore a candidate for classification through an automated scoring system. Utilizing variant allele frequency, disease prevalence and penetrance estimates, and inheritance mode, an automated score was calculated to assess if this variant is too frequent to cause the disease. Based on the score and internal cut-off values, a variant classified as benign is not then subjected to further curation. The score for this variant resulted in a classification of benign for this disease.

NM_019032.6(ADAMTSL4):c.1861+13C>T

Genes: ADAMTSL4 (ADAMTS like 4; plus strand), ADAMTSL4-AS2 (ADAMTSL4 antisense RNA 2; minus strand). Cytogenetic location: 1q21.2.
Variant type: single nucleotide variant.
Coding change: c.1861+13C>T on transcript NM_019032.6 (MANE Select); 13 bases into the intron after coding-DNA position 1861, C replaced by T.
Molecular consequence: intron variant.
Genome position (GRCh38, 1-based): chr1:150,557,063, C>T. VCF-style: chr1-150557063-C-T. GRCh37 (hg19) VCF-style: chr1-150529539-C-T.
Other names: c.1930+13C>T (NM_001288608.2); c.1856+87C>T (NM_001288607.2); c.1861+13C>T (NM_001378596.1, NM_025008.5).
Identifiers: ClinVar variation 292540 (VCV000292540.14), dbSNP rs113919442, ClinGen allele CA1078427.